The following is an entry in ClinVar:

NM_001148.6(ANK2):c.4927G>T (p.Asp1643Tyr)

Gene: ANK2 (ankyrin 2; plus strand). Cytogenetic location: 4q26.
Variant type: single nucleotide variant.
Coding change: c.4927G>T on transcript NM_001148.6 (MANE Select); coding-DNA position 4927, G replaced by T.
Protein change: p.Asp1643Tyr; replaces aspartic acid 1643 with tyrosine.
Molecular consequence: missense variant. On other transcripts: intron variant (68).
Genome position (GRCh38, 1-based): chr4:113,353,545, G>T. VCF-style: chr4-113353545-G-T. GRCh37 (hg19) VCF-style: chr4-114274701-G-T.
Other names: c.4693G>T, p.Asp1565Tyr (NM_001386142.1); c.1327G>T, p.Asp443Tyr (NM_001386166.1); c.5068G>T, p.Asp1690Tyr (NM_001386174.1); c.5044G>T, p.Asp1682Tyr (NM_001386175.1); c.4411+3296G>T (NM_001386186.2, NM_001386148.2); c.4213+3296G>T (NM_001354269.3); c.4291+3296G>T (NM_001386187.2); c.4252+3296G>T (NM_001386147.1); and 35 more; short protein forms D1565Y, D1643Y, D1682Y, D1690Y, D443Y.
Identifiers: ClinVar variation 1383456 (VCV001383456.6), dbSNP rs1481921543, ClinGen allele CA357917322.

ClinVar aggregate classification (germline): Uncertain significance (1 of 4 stars; one submission).

Conditions:
Long QT syndrome (LQTS). Identifiers: MedGen C0023976, MeSH D008133, MONDO:0002442. Disease mechanism: loss of function. Inheritance: Various modes of inheritance.

Allele frequency attached by ClinVar (database versions not stated): TOPMed 0.00001.

Submission:

Labcorp Genetics (formerly Invitae), Labcorp
Classification: Uncertain significance for Long QT syndrome. Last evaluated: 2021-09-29. Review status: criteria provided, single submitter. Criteria: Invitae Variant Classification Sherloc (09022015). Collection method: clinical testing. Allele origin: germline.
Comment: In summary, the available evidence is currently insufficient to determine the role of this variant in disease. Therefore, it has been classified as a Variant of Uncertain Significance. Algorithms developed to predict the effect of missense changes on protein structure and function are either unavailable or do not agree on the potential impact of this missense change (SIFT: "Deleterious"; PolyPhen-2: "Possibly Damaging"; Align-GVGD: "Class C0"). This variant has not been reported in the literature in individuals affected with ANK2-related conditions. This variant is not present in population databases (ExAC no frequency). This sequence change replaces aspartic acid with tyrosine at codon 1643 of the ANK2 protein (p.Asp1643Tyr). The aspartic acid residue is moderately conserved and there is a large physicochemical difference between aspartic acid and tyrosine.